The following is an entry in ClinVar:

ClinVar aggregate classification (germline): Likely pathogenic/Likely pathogenic, low penetrance. Review status: criteria provided, multiple submitters, no conflicts (2 of 4 stars). 3 submissions from 3 submitters: Likely pathogenic (2); Likely pathogenic, low penetrance (1). Last evaluated 2025-10-02.

Conditions:
Atypical hemolytic-uremic syndrome. Identifiers: Orphanet 2134, MedGen C2931788, MONDO:0016244.

Allele frequency attached by ClinVar (database versions not stated): gnomAD exomes below 0.00001; gnomAD 0.00001; 1000 Genomes Project 30x 0.00016; 1000 Genomes Project 0.00020.
gnomAD v4.1: 1 of 1,614,170 alleles (0.000062%); highest among the groups gnomAD compares: Non-Finnish European, 0.000085%; no homozygotes.

Submissions (3):

Genomenon, Inc
Classification: Likely pathogenic, low penetrance for Atypical hemolytic-uremic syndrome. Last evaluated: 2025-10-02. Review status: criteria provided, single submitter. Criteria: Genomenon Sequence Variant Interpretation Standards - Updated. Collection method: curation. Allele origin: germline. Affected: yes.
Comment: CFH p.Asp1119Gly (c.3356A>G) is a missense variant that changes the amino acid at residue 1119 from Aspartic acid to Glycine. This variant has been observed in at least one proband affected with atypical hemolytic-uremic syndrome (PMID:23307876). Additional clinical reports have been published (PMID:29296765;11170896). At least one functional study has demonstrated a substantial alteration in protein function relative to the wild-type (PMID:19454698). It is absent or not present at a significant frequency in gnomAD. In conclusion, we classify CFH p.Asp1119Gly (c.3356A>G) as a likely pathogenic, low penetrance variant.

GeneDx
Classification: Likely pathogenic. Last evaluated: 2024-01-17. Review status: criteria provided, single submitter. Criteria: GeneDx Variant Classification Process June 2021. Collection method: clinical testing. Allele origin: germline. Affected: yes.
Comment: Identified as heterozygous in siblings with hemolytic uremic syndrome in published literature (PMID: 11170896); Published functional studies demonstrate a damaging effect (PMID: 34189567); Not observed at significant frequency in large population cohorts (gnomAD); In silico analysis supports that this missense variant has a deleterious effect on protein structure/function; This variant is associated with the following publications: (PMID: 19351878, 26728463, 34189567, 16601698, 11170896, 19454698)

Mayo Clinic Laboratories, Mayo Clinic
Classification: Likely pathogenic. Last evaluated: 2022-08-30. Review status: criteria provided, single submitter. Criteria: ACMG Guidelines, 2015. Collection method: clinical testing. Allele origin: germline. Observed: 4 variant alleles.
Comment: PM1, PM5, PS4_moderate

Literature cited by the submitters: PubMed 23307876 (cited by Genomenon, Inc); PubMed 29296765 (cited by Genomenon, Inc and Mayo Clinic Laboratories, Mayo Clinic); PubMed 11170896 (cited by Genomenon, Inc); PubMed 19454698 (cited by Genomenon, Inc); PubMed 26459349 (cited by Mayo Clinic Laboratories, Mayo Clinic); PubMed 28637873 (cited by Mayo Clinic Laboratories, Mayo Clinic); PubMed 34189567 (cited by Mayo Clinic Laboratories, Mayo Clinic).

NM_000186.4(CFH):c.3356A>G (p.Asp1119Gly)

Gene: CFH (complement factor H; plus strand). Cytogenetic location: 1q31.3.
Variant type: single nucleotide variant.
Coding change: c.3356A>G on transcript NM_000186.4 (MANE Select); coding-DNA position 3356, A replaced by G.
Protein change: p.Asp1119Gly; replaces aspartic acid 1119 with glycine.
Molecular consequence: missense variant.
Genome position (GRCh38, 1-based): chr1:196,745,862, A>G. VCF-style: chr1-196745862-A-G. GRCh37 (hg19) VCF-style: chr1-196714992-A-G.
Other names: short protein forms D1119G.
Identifiers: ClinVar variation 1163684 (VCV001163684.8), dbSNP rs575109631, ClinGen allele CA35815311.